The following is an entry in ClinVar:

ClinVar aggregate classification (germline): Uncertain significance. Review status: criteria provided, multiple submitters, no conflicts (2 of 4 stars). 2 submissions from 2 submitters: Uncertain significance (2). Last evaluated 2025-03-07.

Conditions:
MARVELD2-related disorder. Also called: MARVELD2-related condition.
Autosomal recessive nonsyndromic hearing loss 49. Also called: Deafness, neurosensory, autosomal recessive 49. Identifiers: Orphanet 90636, MedGen C1857811, MONDO:0012420, OMIM 610153.

Allele frequency attached by ClinVar (database versions not stated): TOPMed below 0.00001.

Submissions (2):

PreventionGenetics, part of Exact Sciences
Classification: Uncertain significance for MARVELD2-related condition. Last evaluated: 2025-03-07. Review status: criteria provided, single submitter. Criteria: ACMG Guidelines, 2015. Collection method: clinical testing. Allele origin: germline.
Comment: The MARVELD2 c.743A>G variant is predicted to result in the amino acid substitution p.Tyr248Cys. This variant was reported in an individual with hearing loss, however it is not clear whether second MARVELD2 variant was detected (Table S4,Tollefson et al. 2023. PubMed ID: 37086329). This variant has not been reported in a large population database (gnomAD), indicating this variant is rare. At this time, the clinical significance of this variant is uncertain due to the absence of conclusive functional and genetic evidence.

Illumina Laboratory Services, Illumina
Classification: Uncertain significance for Autosomal recessive nonsyndromic hearing loss 49. Last evaluated: 2018-01-13. Review status: criteria provided, single submitter. Criteria: ICSL Variant Classification Criteria 13 December 2019. Collection method: clinical testing. Allele origin: germline.

NM_001038603.3(MARVELD2):c.743A>G (p.Tyr248Cys)

Gene: MARVELD2 (MARVEL domain containing 2; plus strand). Cytogenetic location: 5q13.2.
Variant type: single nucleotide variant.
Coding change: c.743A>G on transcript NM_001038603.3 (MANE Select); coding-DNA position 743, A replaced by G.
Protein change: p.Tyr248Cys; replaces tyrosine 248 with cysteine.
Molecular consequence: missense variant.
Genome position (GRCh38, 1-based): chr5:69,420,128, A>G. VCF-style: chr5-69420128-A-G. GRCh37 (hg19) VCF-style: chr5-68715955-A-G.
Other names: c.743A>G, p.Tyr248Cys (NM_001244734.2); short protein forms Y248C.
Identifiers: ClinVar variation 354086 (VCV000354086.6), dbSNP rs886060732, ClinGen allele CA10624884.